The following is an entry in ClinVar:

ClinVar aggregate classification (germline): Likely benign (1 of 4 stars; one submission).

Conditions:
SCLT1-related disorder. Also called: SCLT1-related condition.

Submission:

PreventionGenetics, part of Exact Sciences
Classification: Likely benign for SCLT1-related condition. Last evaluated: 2026-02-02. Review status: criteria provided, single submitter. Criteria: ACMG Guidelines, 2015. Collection method: clinical testing. Allele origin: germline.
Comment: This variant is classified as likely benign based on ACMG/AMP sequence variant interpretation guidelines (Richards et al. 2015 PMID: 25741868, with internal and published modifications).

NM_144643.4(SCLT1):c.516C>G (p.Ala172=)

Gene: SCLT1 (sodium channel and clathrin linker 1; minus strand). Cytogenetic location: 4q28.2.
Variant type: single nucleotide variant.
Coding change: c.516C>G on transcript NM_144643.4 (MANE Select); coding-DNA position 516, C replaced by G.
Protein change: p.Ala172=; no amino-acid change (alanine 172 retained).
Molecular consequence: synonymous variant.
Genome position (GRCh38, 1-based): chr4:128,999,705, G>C on the plus strand (C>G on the coding strand, the complement: SCLT1 is on the minus strand). VCF-style: chr4-128999705-G-C. GRCh37 (hg19) VCF-style: chr4-129920860-G-C.
Other names: c.516C>G, p.Ala172= (NM_001410807.1).
Identifiers: ClinVar variation 4991185 (VCV004991185.1).